The following is an entry in ClinVar:

ClinVar aggregate classification (germline): Conflicting classifications of pathogenicity. Review status: criteria provided, conflicting classifications (1 of 4 stars). 2 submissions from 2 submitters: Uncertain significance (1); Likely benign (1). Last evaluated 2025-02-16.

Conditions:
Autosomal dominant childhood-onset proximal spinal muscular atrophy with contractures (SMALED2A). Also called: SPINAL MUSCULAR ATROPHY, LOWER EXTREMITY-PREDOMINANT, 2A, CHILDHOOD ONSET, AUTOSOMAL DOMINANT; Spinal muscular atrophy, lower extremity-predominant, 2A, autosomal dominant. Identifiers: Orphanet 363447, Orphanet 363454, MedGen C4747715, MONDO:0014121, OMIM 615290.

Submissions (2):

Laboratory of Genetics, Children's Clinical University Hospital Latvia
Classification: Likely benign. Last evaluated: 2025-02-16. Review status: criteria provided, single submitter. Criteria: ACMG Guidelines, 2015. Collection method: clinical testing. Allele origin: germline. Affected: yes.

Labcorp Genetics (formerly Invitae), Labcorp
Classification: Uncertain significance for Autosomal dominant childhood-onset proximal spinal muscular atrophy with contractures. Last evaluated: 2024-02-09. Review status: criteria provided, single submitter. Criteria: Invitae Variant Classification Sherloc (09022015). Collection method: clinical testing. Allele origin: germline.
Comment: This variant, c.812_814del, results in the deletion of 1 amino acid(s) of the BICD2 protein (p.Phe271del), but otherwise preserves the integrity of the reading frame. This variant is present in population databases (no rsID available, gnomAD 0.0009%). This variant has not been reported in the literature in individuals affected with BICD2-related conditions. ClinVar contains an entry for this variant (Variation ID: 2165739). Experimental studies and prediction algorithms are not available or were not evaluated, and the functional significance of this variant is currently unknown. In summary, the available evidence is currently insufficient to determine the role of this variant in disease. Therefore, it has been classified as a Variant of Uncertain Significance.

NM_001003800.2(BICD2):c.812_814del (p.Phe271del)

Gene: BICD2 (BICD cargo adaptor 2; minus strand). Cytogenetic location: 9q22.31.
Variant type: Deletion.
Coding change: c.812_814del on transcript NM_001003800.2 (MANE Select); coding-DNA positions 812 to 814, 3 bases deleted (TCT; older notation c.812_814delTCT).
Protein change: p.Phe271del; deletes phenylalanine 271.
Molecular consequence: inframe deletion.
Genome position (GRCh38, 1-based): chr9:92,720,548-92,720,550, AGA deleted on the plus strand (TCT on the coding strand, the reverse complement: BICD2 is on the minus strand); deleting any 3 consecutive bases within chr9:92,720,548-92,720,552 gives the same sequence; the c. name uses the placement nearest the transcript's 3' end. VCF-style (leftmost placement, unchanged base first): chr9-92720547-TAGA-T. GRCh37 (hg19) VCF-style: chr9-95482829-TAGA-T.
Other names: c.812_814del, p.Phe271del (NM_015250.4); short protein forms F271del.
Identifiers: ClinVar variation 2165739 (VCV002165739.5), dbSNP rs1400779760, ClinGen allele CA589579164.